The following is an entry in ClinVar:

NM_015681.6(B9D1):c.548A>G (p.Tyr183Cys)

Gene: B9D1 (B9 domain containing 1; minus strand). Cytogenetic location: 17p11.2.
Variant type: single nucleotide variant.
Coding change: c.548A>G on transcript NM_015681.6 (MANE Select); coding-DNA position 548, A replaced by G.
Protein change: p.Tyr183Cys; replaces tyrosine 183 with cysteine.
Molecular consequence: missense variant. On other transcripts: 3 prime UTR variant (2), intron variant (4).
Genome position (GRCh38, 1-based): chr17:19,343,386, T>C on the plus strand (A>G on the coding strand, the complement: B9D1 is on the minus strand). VCF-style: chr17-19343386-T-C. GRCh37 (hg19) VCF-style: chr17-19246699-T-C.
Other names: c.*73A>G (NM_001321214.2); c.*324A>G (NM_001321215.3); c.112+404A>G (NM_001368769.2); c.404+3883A>G (NM_001321219.2); c.472+404A>G (NM_001321218.2, NM_001321217.2); short protein forms Y183C.
Identifiers: ClinVar variation 2094413 (VCV002094413.4), dbSNP rs1374536607, ClinGen allele CA398692304.

ClinVar aggregate classification (germline): Uncertain significance (1 of 4 stars; one submission).

Conditions:
Joubert syndrome. Also called: CEREBELLOPARENCHYMAL DISORDER IV; JOUBERT-BOLTSHAUSER SYNDROME; Familial aplasia of the vermis. Identifiers: Orphanet 475, MedGen C5979921, MONDO:0018772.
Meckel-Gruber syndrome. Also called: DYSENCEPHALIA SPLANCHNOCYSTICA; GRUBER SYNDROME; Dysencephalia splachnocystica. Identifiers: Orphanet 564, MedGen C0265215, MONDO:0018921.

Allele frequency attached by ClinVar (database versions not stated): gnomAD exomes below 0.00001.
gnomAD v4.1: 2 of 1,614,104 alleles (0.00012%); highest among the groups gnomAD compares: East Asian, 0.0022%; no homozygotes.

Submission:

Labcorp Genetics (formerly Invitae), Labcorp
Classification: Uncertain significance for Joubert syndrome; Meckel-Gruber syndrome. Last evaluated: 2022-02-07. Review status: criteria provided, single submitter. Criteria: Invitae Variant Classification Sherloc (09022015). Collection method: clinical testing. Allele origin: germline.
Comment: This sequence change replaces tyrosine, which is neutral and polar, with cysteine, which is neutral and slightly polar, at codon 183 of the B9D1 protein (p.Tyr183Cys). This variant is present in population databases (no rsID available, gnomAD 0.01%). This variant has not been reported in the literature in individuals affected with B9D1-related conditions. Algorithms developed to predict the effect of missense changes on protein structure and function (SIFT, PolyPhen-2, Align-GVGD) all suggest that this variant is likely to be disruptive. In summary, the available evidence is currently insufficient to determine the role of this variant in disease. Therefore, it has been classified as a Variant of Uncertain Significance.